The following is an entry in ClinVar:

ClinVar aggregate classification (germline): Benign. Review status: criteria provided, multiple submitters, no conflicts (2 of 4 stars). 3 submissions from 3 submitters: Benign (3). Last evaluated 2023-11-12.

Allele frequency attached by ClinVar (database versions not stated): 1000 Genomes Project 0.14038; 1000 Genomes Project 30x 0.14335; gnomAD exomes 0.29334.
gnomAD v4.1: 457,825 of 1,601,052 alleles (29%); highest among the groups gnomAD compares: Non-Finnish European, 32%; 70,918 homozygotes.

Submissions (3):

Unidad de Genómica Garrahan, Hospital de Pediatría Garrahan
Classification: Benign. Last evaluated: 2023-11-12. Review status: criteria provided, single submitter. Criteria: ACMG Guidelines, 2015. Collection method: clinical testing. Allele origin: germline. Affected: no. Observed: 35 variant alleles.
Comment: This variant is classified as Benign based on local population frequency. This variant was detected in 36% of patients studied by a panel of primary immunodeficiencies. Number of patients: 35. Only high quality variants are reported.

GeneDx
Classification: Benign. Last evaluated: 2021-06-19. Review status: criteria provided, single submitter. Criteria: GeneDx Variant Classification Process June 2021. Collection method: clinical testing. Allele origin: germline. Affected: yes.

Breakthrough Genomics
Classification: Benign. Review status: criteria provided, single submitter. Criteria: ACMG Guidelines, 2015. Collection method: not provided. Allele origin: germline. Inheritance: Autosomal recessive inheritance. Affected: yes.

NM_001083116.3(PRF1):c.539+61G>A

Gene: PRF1 (perforin 1; minus strand). Cytogenetic location: 10q22.1.
Variant type: single nucleotide variant.
Coding change: c.539+61G>A on transcript NM_001083116.3 (MANE Select); 61 bases into the intron after coding-DNA position 539, G replaced by A.
Molecular consequence: intron variant.
Genome position (GRCh38, 1-based): chr10:70,600,303, C>T on the plus strand (G>A on the coding strand, the complement: PRF1 is on the minus strand). VCF-style: chr10-70600303-C-T. GRCh37 (hg19) VCF-style: chr10-72360059-C-T.
Other names: c.539+61G>A (NM_005041.6).
Identifiers: ClinVar variation 1264158 (VCV001264158.5), dbSNP rs10999427, ClinGen allele CA13246317.
Genomic context (GRCh38, chr10:70,600,303, plus strand): 5'-TTTCTTCCTGGTGGAAGCAGCCTCCAAGTTTGATTGGAGGACTCTGCCTTTCCAGGGCTC[C>T]TAGACCACCCAGAGTTTCCCGCGCCTTTTCCAGCCCCCCACCCCTAGCCCCAGCTCTCAC-3'